The following is an entry in ClinVar:

ClinVar aggregate classification (germline): Uncertain significance (1 of 4 stars; one submission).

Conditions:
COG5-congenital disorder of glycosylation. Also called: CDG IIi; CONGENITAL DISORDER OF GLYCOSYLATION, TYPE IIi; COG5-CDG. Identifiers: Orphanet 263487, MedGen C3150876, MONDO:0013325, OMIM 613612.

Submission:

Labcorp Genetics (formerly Invitae), Labcorp
Classification: Uncertain significance for COG5-congenital disorder of glycosylation. Last evaluated: 2025-10-02. Review status: criteria provided, single submitter. Criteria: Invitae Variant Classification Sherloc (09022015). Collection method: clinical testing. Allele origin: germline.
Comment: This sequence change replaces cysteine, which is neutral and slightly polar, with phenylalanine, which is neutral and non-polar, at codon 345 of the COG5 protein (p.Cys345Phe). This variant is not present in population databases (gnomAD no frequency). This variant has not been reported in the literature in individuals affected with COG5-related conditions. ClinVar contains an entry for this variant (Variation ID: 1721136). Invitae Evidence Modeling of protein sequence and biophysical properties (such as structural, functional, and spatial information, amino acid conservation, physicochemical variation, residue mobility, and thermodynamic stability) indicates that this missense variant is not expected to disrupt COG5 protein function with a negative predictive value of 80%. In summary, the available evidence is currently insufficient to determine the role of this variant in disease. Therefore, it has been classified as a Variant of Uncertain Significance.

NM_006348.5(COG5):c.941G>T (p.Cys314Phe)

Gene: COG5 (component of oligomeric golgi complex 5; minus strand). Cytogenetic location: 7q22.3.
Variant type: single nucleotide variant.
Coding change: c.941G>T on transcript NM_006348.5 (MANE Select); coding-DNA position 941, G replaced by T.
Protein change: p.Cys314Phe; replaces cysteine 314 with phenylalanine.
Molecular consequence: missense variant. On other transcripts: intron variant (2).
Genome position (GRCh38, 1-based): chr7:107,362,315, C>A on the plus strand (G>T on the coding strand, the complement: COG5 is on the minus strand). VCF-style: chr7-107362315-C-A. GRCh37 (hg19) VCF-style: chr7-107002760-C-A.
Other names: c.941G>T, p.Cys314Phe (NM_001161520.2, NM_001379511.1, NM_001379512.1 and 3 more transcripts); c.235-205G>T (NM_001379516.1); c.539-63969G>T (NM_001379515.1); short protein forms C314F.
Identifiers: ClinVar variation 1721136 (VCV001721136.5), dbSNP rs1813190650, ClinGen allele CA368940051.